The following is an entry in ClinVar:

NM_001363711.2(DUOX2):c.4036A>G (p.Ile1346Val)

Gene: DUOX2 (dual oxidase 2; minus strand). Cytogenetic location: 15q21.1.
Variant type: single nucleotide variant.
Coding change: c.4036A>G on transcript NM_001363711.2 (MANE Select); coding-DNA position 4036, A replaced by G.
Protein change: p.Ile1346Val; replaces isoleucine 1346 with valine.
Molecular consequence: missense variant.
Genome position (GRCh38, 1-based): chr15:45,095,872, T>C on the plus strand (A>G on the coding strand, the complement: DUOX2 is on the minus strand). VCF-style: chr15-45095872-T-C. GRCh37 (hg19) VCF-style: chr15-45388070-T-C.
Other names: c.4036A>G, p.Ile1346Val (NM_014080.5); short protein forms I1346V.
Identifiers: ClinVar variation 316142 (VCV000316142.12), dbSNP rs149848729, ClinGen allele CA7537663.

ClinVar aggregate classification (germline): Uncertain significance. Review status: criteria provided, multiple submitters, no conflicts (2 of 4 stars). 4 submissions from 4 submitters: Uncertain significance (4). Last evaluated 2026-01-18.

Conditions:
Inborn genetic diseases. Identifiers: MedGen C0950123, MeSH D030342.
Thyroid dyshormonogenesis 6 (TDH6). Also called: THYROID HORMONOGENESIS, GENETIC DEFECT IN, 6; Genetic transient congenital hypothyroidism; HYPOTHYROIDISM, CONGENITAL, DUE TO DYSHORMONOGENESIS, 6. Identifiers: Orphanet 226316, Orphanet 95716, MedGen C1846632, MONDO:0011792, OMIM 607200.

Allele frequency attached by ClinVar (database versions not stated): ExAC 0.00002; TOPMed 0.00002; gnomAD 0.00004; ESP Exome Variant Server 0.00008.
gnomAD v4.1: 92 of 1,613,776 alleles (0.0057%); highest among the groups gnomAD compares: Non-Finnish European, 0.0075%; no homozygotes.

Submissions (4):

Labcorp Genetics (formerly Invitae), Labcorp
Classification: Uncertain significance. Last evaluated: 2026-01-18. Review status: criteria provided, single submitter. Criteria: Invitae Variant Classification Sherloc (09022015). Collection method: clinical testing. Allele origin: germline.
Comment: This sequence change replaces isoleucine, which is neutral and non-polar, with valine, which is neutral and non-polar, at codon 1346 of the DUOX2 protein (p.Ile1346Val). This variant is present in population databases (rs149848729, gnomAD 0.003%). This variant has not been reported in the literature in individuals affected with DUOX2-related conditions. ClinVar contains an entry for this variant (Variation ID: 316142). Invitae Evidence Modeling of protein sequence and biophysical properties (such as structural, functional, and spatial information, amino acid conservation, physicochemical variation, residue mobility, and thermodynamic stability) indicates that this missense variant is not expected to disrupt DUOX2 protein function with a negative predictive value of 80%. In summary, the available evidence is currently insufficient to determine the role of this variant in disease. Therefore, it has been classified as a Variant of Uncertain Significance.

Ambry Genetics
Classification: Uncertain significance for Inborn genetic diseases. Last evaluated: 2025-06-07. Review status: criteria provided, single submitter. Criteria: Ambry Variant Classification Scheme 2023. Collection method: clinical testing. Allele origin: germline.

Women's Health and Genetics/Laboratory Corporation of America, LabCorp
Classification: Uncertain significance. Last evaluated: 2024-11-27. Review status: criteria provided, single submitter. Criteria: LabCorp Variant Classification Summary - May 2015. Collection method: clinical testing. Allele origin: germline.
Comment: Variant summary: DUOX2 c.4036A>G (p.Ile1346Val) results in a conservative amino acid change located in the Ferredoxin reductase-type FAD binding domain profile (IPR017927) of the encoded protein sequence. Five of five in-silico tools predict a benign effect of the variant on protein function. The variant allele was found at a frequency of 1.6e-05 in 251368 control chromosomes. The available data on variant occurrences in the general population are insufficient to allow any conclusion about variant significance. To our knowledge, no occurrence of c.4036A>G in individuals affected with Thyroid Dyshormonogenesis 6 and no experimental evidence demonstrating its impact on protein function have been reported. ClinVar contains an entry for this variant (Variation ID: 316142). Based on the evidence outlined above, the variant was classified as uncertain significance.

Illumina Laboratory Services, Illumina
Classification: Uncertain significance for Thyroid dyshormonogenesis 6. Last evaluated: 2018-01-13. Review status: criteria provided, single submitter. Criteria: ICSL Variant Classification Criteria 13 December 2019. Collection method: clinical testing. Allele origin: germline.